The following is an entry in ClinVar:

ClinVar aggregate classification (germline): Uncertain significance. Review status: criteria provided, multiple submitters, no conflicts (2 of 4 stars). 2 submissions from 2 submitters: Uncertain significance (2). Last evaluated 2022-10-27.

Conditions:
Inborn genetic diseases. Identifiers: MedGen C0950123, MeSH D030342.
Autosomal recessive limb-girdle muscular dystrophy type 2O. Also called: Limb-Girdle Muscular Dystrophy Type 3C; MUSCULAR DYSTROPHY-DYSTROGLYCANOPATHY (LIMB-GIRDLE), TYPE C, 3; MUSCULAR DYSTROPHY-DYSTROGLYCANOPATHY, LIMB-GIRDLE, POMGNT1-RELATED. Identifiers: Orphanet 206564, MedGen C3150417, MONDO:0013161, OMIM 613157.
Muscular dystrophy-dystroglycanopathy (congenital with impaired intellectual development), type B, 3. Also called: Muscular dystrophy-dystroglycanopathy (congenital with intellectual disability), type B3; MUSCULAR DYSTROPHY, CONGENITAL, POMGNT1-RELATED. Identifiers: MedGen C3150412, MONDO:0013155, OMIM 613151.

Allele frequency attached by ClinVar (database versions not stated): TOPMed below 0.00001; ExAC 0.00001; gnomAD 0.00001; gnomAD exomes 0.00001.
gnomAD v4.1: 15 of 1,614,002 alleles (0.00093%); highest among the groups gnomAD compares: East Asian, 0.0067%; no homozygotes.

Submissions (2):

Ambry Genetics
Classification: Uncertain significance for Inborn genetic diseases. Last evaluated: 2022-10-27. Review status: criteria provided, single submitter. Criteria: Ambry Variant Classification Scheme 2023. Collection method: clinical testing. Allele origin: germline.

Labcorp Genetics (formerly Invitae), Labcorp
Classification: Uncertain significance for Autosomal recessive limb-girdle muscular dystrophy type 2O; Muscular dystrophy-dystroglycanopathy (congenital with impaired intellectual development), type B, 3. Last evaluated: 2021-08-30. Review status: criteria provided, single submitter. Criteria: Invitae Variant Classification Sherloc (09022015). Collection method: clinical testing. Allele origin: germline.
Comment: This sequence change replaces threonine with methionine at codon 118 of the POMGNT1 protein (p.Thr118Met). The threonine residue is highly conserved and there is a moderate physicochemical difference between threonine and methionine. This variant is present in population databases (rs765986611, ExAC 0.006%). This variant has not been reported in the literature in individuals affected with POMGNT1-related conditions. Algorithms developed to predict the effect of missense changes on protein structure and function (SIFT, PolyPhen-2, Align-GVGD) all suggest that this variant is likely to be tolerated. Algorithms developed to predict the effect of sequence changes on RNA splicing suggest that this variant may disrupt the consensus splice site. In summary, the available evidence is currently insufficient to determine the role of this variant in disease. Therefore, it has been classified as a Variant of Uncertain Significance.

NM_017739.4(POMGNT1):c.353C>T (p.Thr118Met)

Gene: POMGNT1 (protein O-linked mannose N-acetylglucosaminyltransferase 1 (beta 1,2-); minus strand). Cytogenetic location: 1p34.1.
Variant type: single nucleotide variant.
Coding change: c.353C>T on transcript NM_017739.4 (MANE Select); coding-DNA position 353, C replaced by T.
Protein change: p.Thr118Met; replaces threonine 118 with methionine.
Molecular consequence: missense variant. On other transcripts: 5 prime UTR variant (1).
Genome position (GRCh38, 1-based): chr1:46,196,732, G>A on the plus strand (C>T on the coding strand, the complement: POMGNT1 is on the minus strand). VCF-style: chr1-46196732-G-A. GRCh37 (hg19) VCF-style: chr1-46662404-G-A.
Other names: c.353C>T, p.Thr118Met (NM_001243766.2, NM_001410783.1); c.287C>T, p.Thr96Met (NM_001290129.3); c.-77C>T (NM_001290130.2); short protein forms T118M, T96M.
Identifiers: ClinVar variation 2056349 (VCV002056349.2), dbSNP rs765986611, ClinGen allele CA833779.